The following is an entry in ClinVar:

ClinVar aggregate classification (germline): Likely benign. Review status: criteria provided, multiple submitters, no conflicts (2 of 4 stars). 2 submissions from 2 submitters: Likely benign (2). Last evaluated 2025-08-06.

Conditions:
Inborn genetic diseases. Identifiers: MedGen C0950123, MeSH D030342.

Allele frequency attached by ClinVar (database versions not stated): ExAC 0.00005; ESP Exome Variant Server 0.00008; gnomAD exomes 0.00008; gnomAD 0.00012; TOPMed 0.00020.
gnomAD v4.1: 140 of 1,611,142 alleles (0.0087%); highest among the groups gnomAD compares: African/African-American, 0.052%; no homozygotes.

Submissions (2):

Ambry Genetics
Classification: Likely benign for Inborn genetic diseases. Last evaluated: 2025-08-06. Review status: criteria provided, single submitter. Criteria: Ambry Variant Classification Scheme 2023. Collection method: clinical testing. Allele origin: germline.

CeGaT Center for Human Genetics Tuebingen
Classification: Likely benign. Last evaluated: 2023-04-01. Review status: criteria provided, single submitter. Criteria: CeGaT Center For Human Genetics Tuebingen Variant Classification Criteria Version 2. Collection method: clinical testing. Allele origin: germline. Affected: yes. Observed: 1 variant allele.
Comment: TRIO: BP4, BP7

NM_007118.4(TRIO):c.348C>T (p.Ser116=)

Gene: TRIO (trio Rho guanine nucleotide exchange factor; plus strand). Cytogenetic location: 5p15.2.
Variant type: single nucleotide variant.
Coding change: c.348C>T on transcript NM_007118.4 (MANE Select); coding-DNA position 348, C replaced by T.
Protein change: p.Ser116=; no amino-acid change (serine 116 retained).
Molecular consequence: synonymous variant. On other transcripts: non-coding transcript variant (1).
Genome position (GRCh38, 1-based): chr5:14,286,871, C>T. VCF-style: chr5-14286871-C-T. GRCh37 (hg19) VCF-style: chr5-14286980-C-T.
Other names: c.348C>T (NM_007118.2).
Identifiers: ClinVar variation 2655302 (VCV002655302.25), dbSNP rs144904902, ClinGen allele CA3205414.
Genomic context (GRCh38, chr5:14,286,871, plus strand): 5'-TGACCAGGCAGAGTGGCAAGAGATGTAACCCGTCTTCAGCCATGTTTTCTTTCTCTGCAG[C>T]GAGGAGGTCTGCAAGCGTGGCTTCACGGTGATCGTGGACATGCGTGGGTCCAAGTGGGAC-3'
Protein context (NP_009049.2, residues 106-126): RLISYLACIP[Ser116=]EEVCKRGFTV